The following is an entry in ClinVar:

ClinVar aggregate classification (germline): Uncertain significance. Review status: criteria provided, multiple submitters, no conflicts (2 of 4 stars). 2 submissions from 2 submitters: Uncertain significance (2). Last evaluated 2026-03-02.

Conditions:
Arrhythmogenic right ventricular dysplasia 10. Also called: Arrhythmogenic Right Ventricular Dysplasia/Cardiomyopathy10; ARRHYTHMOGENIC RIGHT VENTRICULAR DYSPLASIA, FAMILIAL, 10; Arrhythmogenic right ventricular dysplasia/cardiomyopathy, type 10. Identifiers: MedGen C1857777, MONDO:0012434, OMIM 610193.

Submissions (2):

GeneDx
Classification: Uncertain significance. Last evaluated: 2026-03-02. Review status: criteria provided, single submitter. Criteria: GeneDx Variant Classification Process June 2021. Collection method: clinical testing. Allele origin: germline.
Comment: Not observed at significant frequency in large population cohorts (gnomAD); In silico analysis supports that this missense variant has a deleterious effect on protein structure/function; Has not been previously published as pathogenic or benign to our knowledge

Labcorp Genetics (formerly Invitae), Labcorp
Classification: Uncertain significance for Arrhythmogenic right ventricular dysplasia 10. Last evaluated: 2025-01-16. Review status: criteria provided, single submitter. Criteria: Invitae Variant Classification Sherloc (09022015). Collection method: clinical testing. Allele origin: germline.
Comment: This sequence change replaces threonine, which is neutral and polar, with arginine, which is basic and polar, at codon 464 of the DSG2 protein (p.Thr464Arg). This variant is not present in population databases (gnomAD no frequency). This variant has not been reported in the literature in individuals affected with DSG2-related conditions. Invitae Evidence Modeling of protein sequence and biophysical properties (such as structural, functional, and spatial information, amino acid conservation, physicochemical variation, residue mobility, and thermodynamic stability) has been performed for this missense variant. However, the output from this modeling did not meet the statistical confidence thresholds required to predict the impact of this variant on DSG2 protein function. In summary, the available evidence is currently insufficient to determine the role of this variant in disease. Therefore, it has been classified as a Variant of Uncertain Significance.

NM_001943.5(DSG2):c.1391C>G (p.Thr464Arg)

Gene: DSG2 (desmoglein 2; plus strand). Cytogenetic location: 18q12.1.
Variant type: single nucleotide variant.
Coding change: c.1391C>G on transcript NM_001943.5 (MANE Select); coding-DNA position 1391, C replaced by G.
Protein change: p.Thr464Arg; replaces threonine 464 with arginine.
Molecular consequence: missense variant.
Genome position (GRCh38, 1-based): chr18:31,535,380, C>G. VCF-style: chr18-31535380-C-G. GRCh37 (hg19) VCF-style: chr18-29115343-C-G.
Other names: short protein forms T464R.
Identifiers: ClinVar variation 3683727 (VCV003683727.3).